The following is an entry in ClinVar:

NM_002519.3(NPAT):c.3155T>C (p.Ile1052Thr)

Gene: NPAT (nuclear protein, coactivator of histone transcription; minus strand). Cytogenetic location: 11q22.3.
Variant type: single nucleotide variant.
Coding change: c.3155T>C on transcript NM_002519.3 (MANE Select); coding-DNA position 3155, T replaced by C.
Protein change: p.Ile1052Thr; replaces isoleucine 1052 with threonine.
Molecular consequence: missense variant.
Genome position (GRCh38, 1-based): chr11:108,161,931, A>G on the plus strand (T>C on the coding strand, the complement: NPAT is on the minus strand). VCF-style: chr11-108161931-A-G. GRCh37 (hg19) VCF-style: chr11-108032658-A-G.
Other names: c.3155T>C (NM_002519.2); c.3176T>C, p.Ile1059Thr (NM_001321307.1); short protein forms I1059T, I1052T.
Identifiers: ClinVar variation 2156583 (VCV002156583.6), dbSNP rs544106839, ClinGen allele CA6263635.

ClinVar aggregate classification (germline): Conflicting classifications of pathogenicity. Review status: criteria provided, conflicting classifications (1 of 4 stars). 2 submissions from 2 submitters: Uncertain significance (1); Likely benign (1). Last evaluated 2025-08-17.

Allele frequency attached by ClinVar (database versions not stated): gnomAD 0.00002; gnomAD exomes 0.00006; ExAC 0.00013; 1000 Genomes Project 30x 0.00016; 1000 Genomes Project 0.00020.
gnomAD v4.1: 96 of 1,608,768 alleles (0.006%); highest among the groups gnomAD compares: South Asian, 0.096%; 1 homozygote.

Submissions (2):

Labcorp Genetics (formerly Invitae), Labcorp
Classification: Uncertain significance. Last evaluated: 2025-08-17. Review status: criteria provided, single submitter. Criteria: Invitae Variant Classification Sherloc (09022015). Collection method: clinical testing. Allele origin: germline.
Comment: This sequence change replaces isoleucine, which is neutral and non-polar, with threonine, which is neutral and polar, at codon 1052 of the NPAT protein (p.Ile1052Thr). This variant is present in population databases (rs544106839, gnomAD 0.1%), and has an allele count higher than expected for a pathogenic variant. This variant has not been reported in the literature in individuals affected with NPAT-related conditions. ClinVar contains an entry for this variant (Variation ID: 2156583). An algorithm developed to predict the effect of missense changes on protein structure and function outputs the following: PolyPhen-2: "Benign". The threonine amino acid residue is found in multiple mammalian species, which suggests that this missense change does not adversely affect protein function. In summary, the available evidence is currently insufficient to determine the role of this variant in disease. Therefore, it has been classified as a Variant of Uncertain Significance.

Ambry Genetics
Classification: Likely benign. Last evaluated: 2022-11-23. Review status: criteria provided, single submitter. Criteria: Ambry Variant Classification Scheme 2023. Collection method: clinical testing. Allele origin: germline.